The following is an entry in ClinVar:

NM_002633.3(PGM1):c.1280+7C>T

Gene: PGM1 (phosphoglucomutase 1; plus strand). Cytogenetic location: 1p31.3.
Variant type: single nucleotide variant.
Coding change: c.1280+7C>T on transcript NM_002633.3 (MANE Select); 7 bases into the intron after coding-DNA position 1280, C replaced by T.
Molecular consequence: intron variant.
Genome position (GRCh38, 1-based): chr1:63,648,659, C>T. VCF-style: chr1-63648659-C-T. GRCh37 (hg19) VCF-style: chr1-64114330-C-T.
Other names: c.689+7C>T (NM_001172819.2); c.1334+7C>T (NM_001172818.1).
Identifiers: ClinVar variation 297886 (VCV000297886.20), dbSNP rs72922610, ClinGen allele CA889784.

ClinVar aggregate classification (germline): Benign/Likely benign. Review status: criteria provided, multiple submitters, no conflicts (2 of 4 stars). 4 submissions from 4 submitters: Benign (2); Likely benign (1). 1 of the submissions does not count toward it. Last evaluated 2026-02-01.

Conditions:
PGM1-congenital disorder of glycosylation. Also called: CDG It; Congenital disorder of glycosylation type 1t; PHOSPHOGLUCOMUTASE 1 DEFICIENCY; PGM1 DEFICIENCY; GLYCOGEN STORAGE DISEASE XIV; GSD XIV. Identifiers: Orphanet 319646, MedGen C2752015, MONDO:0013968, OMIM 614921.

Allele frequency attached by ClinVar (database versions not stated): gnomAD exomes 0.00264 and 0.00697; ExAC 0.00845; gnomAD 0.02627 and 0.02818; TOPMed 0.02855; ESP Exome Variant Server 0.02860; 1000 Genomes Project 0.03175; 1000 Genomes Project 30x 0.03467.
gnomAD v4.1: 8,003 of 1,613,570 alleles (0.5%); highest among the groups gnomAD compares: African/African-American, 9.2%; 313 homozygotes.

Submissions (4):

Labcorp Genetics (formerly Invitae), Labcorp
Classification: Benign for PGM1-congenital disorder of glycosylation. Last evaluated: 2026-02-01. Review status: criteria provided, single submitter. Criteria: Invitae Variant Classification Sherloc (09022015). Collection method: clinical testing. Allele origin: germline.

GeneDx
Classification: Benign. Last evaluated: 2016-03-15. Review status: criteria provided, single submitter. Criteria: GeneDx Variant Classification (06012015). Collection method: clinical testing. Allele origin: germline. Affected: yes.
Comment: This variant is considered likely benign or benign based on one or more of the following criteria: it is a conservative change, it occurs at a poorly conserved position in the protein, it is predicted to be benign by multiple in silico algorithms, and/or has population frequency not consistent with disease.

Breakthrough Genomics
Classification: Likely benign. Review status: criteria provided, single submitter. Criteria: ACMG Guidelines, 2015. Collection method: not provided. Allele origin: germline. Inheritance: Autosomal recessive inheritance. Affected: yes.

Mayo Clinic Laboratories, Mayo Clinic
Classification: Benign. Last evaluated: 2017-03-14. Review status: no assertion criteria provided. Collection method: clinical testing. Allele origin: unknown. Not counted in ClinVar's aggregate classification.